The following is an entry in ClinVar:

ClinVar aggregate classification (germline): Likely benign (0 of 4 stars; one submission).

Conditions:
RPGRIP1L-related disorder. Also called: RPGRIP1L-related condition; RPGRIP1L-related disorders. Identifiers: MedGen CN239416.

Allele frequency attached by ClinVar (database versions not stated): gnomAD exomes below 0.00001.
gnomAD v4.1: 1 of 702,990 alleles (0.00014%); highest among the groups gnomAD compares: Non-Finnish European, 0.00026%; no homozygotes.

Submission:

PreventionGenetics, part of Exact Sciences
Classification: Likely benign for RPGRIP1L-related condition. Last evaluated: 2022-05-03. Review status: no assertion criteria provided. Collection method: clinical testing. Allele origin: germline.
Comment: This variant is classified as likely benign based on ACMG/AMP sequence variant interpretation guidelines (Richards et al. 2015 PMID: 25741868, with internal and published modifications).

NM_015272.5(RPGRIP1L):c.230+702A>G

Gene: RPGRIP1L (RPGRIP1 like; minus strand). Cytogenetic location: 16q12.2.
Variant type: single nucleotide variant.
Coding change: c.230+702A>G on transcript NM_015272.5 (MANE Select); 702 bases into the intron after coding-DNA position 230, A replaced by G.
Molecular consequence: intron variant. On other transcripts: synonymous variant (1).
Genome position (GRCh38, 1-based): chr16:53,695,449, T>C on the plus strand (A>G on the coding strand, the complement: RPGRIP1L is on the minus strand). VCF-style: chr16-53695449-T-C. GRCh37 (hg19) VCF-style: chr16-53729361-T-C.
Other names: c.240A>G, p.Glu80= (NM_001328422.2); c.230+702A>G (NM_001127897.4, NM_001330538.2, NM_001308334.3).
Identifiers: ClinVar variation 3031489 (VCV003031489.2), dbSNP rs1970684762, ClinGen allele CA2223286815.